The following is an entry in ClinVar:

NM_000245.4(MET):c.64A>G (p.Ser22Gly)

Gene: MET (MET proto-oncogene, receptor tyrosine kinase; plus strand). Cytogenetic location: 7q31.2.
Variant type: single nucleotide variant.
Coding change: c.64A>G on transcript NM_000245.4 (MANE Select); coding-DNA position 64, A replaced by G.
Protein change: p.Ser22Gly; replaces serine 22 with glycine.
Molecular consequence: missense variant. On other transcripts: intron variant (1).
Genome position (GRCh38, 1-based): chr7:116,699,148, A>G. VCF-style: chr7-116699148-A-G. GRCh37 (hg19) VCF-style: chr7-116339202-A-G.
Other names: c.64A>G, p.Ser22Gly (NM_001324401.3, NM_001127500.3); c.-91+26571A>G (NM_001324402.2); short protein forms S22G.
Identifiers: ClinVar variation 3395101 (VCV003395101.1).

ClinVar aggregate classification (germline): Uncertain significance (1 of 4 stars; one submission).

Conditions:
Hereditary cancer-predisposing syndrome. Also called: Hereditary Cancer Syndrome; Tumor predisposition; Hereditary neoplastic syndrome; Neoplastic Syndromes, Hereditary. Identifiers: Orphanet 140162, MedGen C0027672, MeSH D009386, MONDO:0015356.

gnomAD v4.1: 2 of 1,613,828 alleles (0.00012%); highest among the groups gnomAD compares: Middle Eastern, 0.017%; no homozygotes.

Submission:

Ambry Genetics
Classification: Uncertain significance for Hereditary cancer-predisposing syndrome. Last evaluated: 2024-07-01. Review status: criteria provided, single submitter. Criteria: Ambry Variant Classification Scheme 2023. Collection method: clinical testing. Allele origin: germline.
Comment: The p.S22G variant (also known as c.64A>G), located in coding exon 1 of the MET gene, results from an A to G substitution at nucleotide position 64. The serine at codon 22 is replaced by glycine, an amino acid with similar properties. This amino acid position is well conserved in available vertebrate species. In addition, this alteration is predicted to be tolerated by in silico analysis. Based on the available evidence, the clinical significance of this variant remains unclear.